The following is an entry in ClinVar:

NM_001184880.2(PCDH19):c.2227T>A (p.Ser743Thr)

Gene: PCDH19 (protocadherin 19; minus strand). Cytogenetic location: Xq22.1.
Variant type: single nucleotide variant.
Coding change: c.2227T>A on transcript NM_001184880.2 (MANE Select); coding-DNA position 2227, T replaced by A.
Protein change: p.Ser743Thr; replaces serine 743 with threonine.
Molecular consequence: missense variant. On other transcripts: intron variant (2).
Genome position (GRCh38, 1-based): chrX:100,403,585, A>T on the plus strand (T>A on the coding strand, the complement: PCDH19 is on the minus strand). VCF-style: chrX-100403585-A-T. GRCh37 (hg19) VCF-style: chrX-99658583-A-T.
Other names: c.2148-734T>A (NM_020766.3, NM_001105243.2); short protein forms S743T.
Identifiers: ClinVar variation 1203483 (VCV001203483.3), dbSNP rs1454878276, ClinGen allele CA414006975.

ClinVar aggregate classification (germline): Likely benign (1 of 4 stars; one submission).

Allele frequency attached by ClinVar (database versions not stated): gnomAD exomes below 0.00001 and 0.00001.
gnomAD v4.1: 3 of 1,208,434 alleles (0.00025%); highest among the groups gnomAD compares: Admixed American, 0.0065%; no homozygotes.

Submission:

GeneDx
Classification: Likely benign. Last evaluated: 2020-03-23. Review status: criteria provided, single submitter. Criteria: GeneDx Variant Classification Process June 2021. Collection method: clinical testing. Allele origin: germline. Affected: yes.
Comment: Missense variants in this gene are often considered pathogenic (Stenson et al., 2014); In silico analysis supports that this missense variant does not alter protein structure/function; Has not been previously published as pathogenic or benign to our knowledge